The following is an entry in ClinVar:

NM_000208.4(INSR):c.*130A>T

Gene: INSR (insulin receptor; minus strand). Cytogenetic location: 19p13.2.
Variant type: single nucleotide variant.
Coding change: c.*130A>T on transcript NM_000208.4 (MANE Select); 130 bases downstream of the stop codon, A replaced by T.
Molecular consequence: 3 prime UTR variant.
Genome position (GRCh38, 1-based): chr19:7,116,926, T>A on the plus strand (A>T on the coding strand, the complement: INSR is on the minus strand). VCF-style: chr19-7116926-T-A. GRCh37 (hg19) VCF-style: chr19-7116937-T-A.
Other names: c.*130A>T (NM_001079817.3).
Identifiers: ClinVar variation 893532 (VCV000893532.5), dbSNP rs571448308, ClinGen allele CA304866045.

ClinVar aggregate classification (germline): Likely benign. Review status: criteria provided, multiple submitters, no conflicts (2 of 4 stars). 4 submissions from 2 submitters: Likely benign (4). Last evaluated 2018-01-13.

Conditions:
Insulin-resistant diabetes mellitus AND acanthosis nigricans. Also called: INSULIN RECEPTOR, DEFECT IN, WITH INSULIN-RESISTANT DIABETES MELLITUS AND ACANTHOSIS NIGRICANS; IRAN, TYPE A; Insulin-resistance syndrome type A; type A insulin resistance; DIABETES MELLITUS, INSULIN-RESISTANT, WITH ACANTHOSIS NIGRICANS, TYPE A. Identifiers: Orphanet 2297, MedGen C0342278, MONDO:0012520, OMIM 610549.
Leprechaunism syndrome. Also called: LEPRECHAUNISM; Donohue syndrome. Identifiers: Orphanet 508, MedGen C0265344, MONDO:0009517, OMIM 246200.
Rabson-Mendenhall syndrome. Also called: MENDENHALL SYNDROME; Pineal Hyperplasia, Insulin-Resistant Diabetes Mellitus, and Somatic Abnormalities; Pineal hyperplasia AND diabetes mellitus syndrome. Identifiers: Orphanet 769, MedGen C0271695, MONDO:0009874, OMIM 262190.

Allele frequency attached by ClinVar (database versions not stated): TOPMed 0.00003; gnomAD exomes 0.00103; 1000 Genomes Project 30x 0.00234; 1000 Genomes Project 0.00260.

Submissions (4):

Illumina Laboratory Services, Illumina
Classification: Likely benign for Insulin-resistant diabetes mellitus AND acanthosis nigricans. Last evaluated: 2018-01-13. Review status: criteria provided, single submitter. Criteria: ICSL Variant Classification Criteria 13 December 2019. Collection method: clinical testing. Allele origin: germline.
Comment: This variant was observed in the ICSL laboratory as part of a predisposition screen in an ostensibly healthy population. It had not been previously curated by ICSL or reported in the Human Gene Mutation Database (HGMD: prior to June 1st, 2018), and was therefore a candidate for classification through an automated scoring system. Utilizing variant allele frequency, disease prevalence and penetrance estimates, and inheritance mode, an automated score was calculated to assess if this variant is too frequent to cause the disease. Based on the score and internal cut-off values, a variant classified as likely benign is not then subjected to further curation. The score for this variant resulted in a classification of likely benign for this disease.

Illumina Laboratory Services, Illumina
Classification: Likely benign for Leprechaunism syndrome. Last evaluated: 2018-01-13. Review status: criteria provided, single submitter. Criteria: ICSL Variant Classification Criteria 13 December 2019. Collection method: clinical testing. Allele origin: germline.
Comment: the same text as in the submission from Illumina Laboratory Services, Illumina above.

Illumina Laboratory Services, Illumina
Classification: Likely benign for Rabson-Mendenhall syndrome. Last evaluated: 2018-01-13. Review status: criteria provided, single submitter. Criteria: ICSL Variant Classification Criteria 13 December 2019. Collection method: clinical testing. Allele origin: germline.
Comment: the same text as in the submission from Illumina Laboratory Services, Illumina above.

Breakthrough Genomics
Classification: Likely benign. Review status: criteria provided, single submitter. Criteria: ACMG Guidelines, 2015. Collection method: not provided. Allele origin: germline. Inheritance: Autosomal recessive inheritance. Affected: yes.